The following is an entry in ClinVar:

ClinVar aggregate classification (germline): Uncertain significance (1 of 4 stars; one submission).

Submission:

GeneDx
Classification: Uncertain significance. Last evaluated: 2022-03-14. Review status: criteria provided, single submitter. Criteria: GeneDx Variant Classification Process June 2021. Collection method: clinical testing. Allele origin: germline. Affected: yes.
Comment: Not observed at significant frequency in large population cohorts (gnomAD); In silico analysis supports a deleterious effect on protein structure/function; Has not been previously published as pathogenic or benign to our knowledge

NM_001393504.1(MAST3):c.327_328delinsGA (p.Asp109_Gly110delinsGluSer)

Genes: MAST3 (microtubule associated serine/threonine kinase 3; plus strand), LOC126862876 (BRD4-independent group 4 enhancer GRCh37_chr19:18232970-18234169; plus strand). Cytogenetic location: 19p13.11.
Variant type: Indel.
Coding change: c.327_328delinsGA on transcript NM_001393504.1 (MANE Select); coding-DNA positions 327 to 328, CG replaced by GA.
Protein change: p.Asp109_Gly110delinsGluSer.
Molecular consequence: missense variant.
Genome position (GRCh38, 1-based): chr19:18,122,679-18,122,680, CG replaced by GA. VCF-style: chr19-18122679-CG-GA. GRCh37 (hg19) VCF-style: chr19-18233489-CG-GA.
Other names: c.351_352delinsGA, p.Asp117_Gly118delinsGluSer (NM_001393501.1); c.330_331delinsGA, p.Asp110_Gly111delinsGluSer (NM_001393502.1); c.327_328delinsGA, p.Asp109_Gly110delinsGluSer (NM_001393503.1); c.324_325delinsGA, p.Asp108_Gly109delinsGluSer (NM_001393505.1); c.279_280delinsGA, p.Asp93_Gly94delinsGluSer (NM_001393506.1, NM_001393513.1); c.306_307delinsGA, p.Asp102_Gly103delinsGluSer (NM_001393507.1); c.261_262delinsGA, p.Asp87_Gly88delinsGluSer (NM_001393508.1, NM_001393516.1); c.258_259delinsGA, p.Asp86_Gly87delinsGluSer (NM_001393509.1, NM_001393510.1, NM_001393512.1 and 2 more transcripts); and 4 more.
Identifiers: ClinVar variation 1708006 (VCV001708006.2), dbSNP rs2512954541, ClinGen allele CA2580096729.